The following is an entry in ClinVar:

ClinVar aggregate classification (germline): Uncertain significance. Review status: criteria provided, multiple submitters, no conflicts (2 of 4 stars). 3 submissions from 3 submitters: Uncertain significance (2). 1 of the submissions does not count toward it. Last evaluated 2025-12-19.

Conditions:
UCP3-related disorder. Also called: UCP3-related condition.

Allele frequency attached by ClinVar (database versions not stated): gnomAD exomes 0.00038 and 0.00089; ExAC 0.00113; gnomAD 0.00349 and 0.00366; TOPMed 0.00380; ESP Exome Variant Server 0.00385; 1000 Genomes Project 0.00539; 1000 Genomes Project 30x 0.00593.
gnomAD v4.1: 1,110 of 1,614,098 alleles (0.069%); highest among the groups gnomAD compares: African/African-American, 1.2%; 6 homozygotes.

Submissions (3):

Labcorp Genetics (formerly Invitae), Labcorp
Classification: Uncertain significance. Last evaluated: 2025-12-19. Review status: criteria provided, single submitter. Criteria: Invitae Variant Classification Sherloc (09022015). Collection method: clinical testing. Allele origin: germline.
Comment: This sequence change replaces alanine, which is neutral and non-polar, with valine, which is neutral and non-polar, at codon 111 of the UCP3 protein (p.Ala111Val). This variant is present in population databases (rs74907838, gnomAD 1.1%), and has an allele count higher than expected for a pathogenic variant. This missense change has been observed in individual(s) with early onset obesity (PMID: 21544083). ClinVar contains an entry for this variant (Variation ID: 1425589). An algorithm developed to predict the effect of missense changes on protein structure and function (PolyPhen-2) suggests that this variant is likely to be tolerated. Experimental studies have shown that this missense change affects UCP3 function (PMID: 21544083). In summary, the available evidence is currently insufficient to determine the role of this variant in disease. Therefore, it has been classified as a Variant of Uncertain Significance.

Breakthrough Genomics
Classification: Uncertain significance. Review status: criteria provided, single submitter. Criteria: ACMG Guidelines, 2015. Collection method: not provided. Allele origin: germline. Inheritance: Autosomal recessive inheritance. Affected: yes.

PreventionGenetics, part of Exact Sciences
Classification: Likely benign for UCP3-related condition. Last evaluated: 2023-12-13. Review status: no assertion criteria provided. Collection method: clinical testing. Allele origin: germline. Not counted in ClinVar's aggregate classification.
Comment: This variant is classified as likely benign based on ACMG/AMP sequence variant interpretation guidelines (Richards et al. 2015 PMID: 25741868, with internal and published modifications).

Literature cited by the submitters: PubMed 21544083 (cited by Labcorp Genetics (formerly Invitae), Labcorp).

NM_003356.4(UCP3):c.332C>T (p.Ala111Val)

Gene: UCP3 (uncoupling protein 3; minus strand). Cytogenetic location: 11q13.4.
Variant type: single nucleotide variant.
Coding change: c.332C>T on transcript NM_003356.4 (MANE Select); coding-DNA position 332, C replaced by T.
Protein change: p.Ala111Val; replaces alanine 111 with valine.
Molecular consequence: missense variant.
Genome position (GRCh38, 1-based): chr11:74,006,174, G>A on the plus strand (C>T on the coding strand, the complement: UCP3 is on the minus strand). VCF-style: chr11-74006174-G-A. GRCh37 (hg19) VCF-style: chr11-73717219-G-A.
Other names: c.332C>T, p.Ala111Val (NM_022803.3); c.332C>T (NM_003356.3); short protein forms A111V.
Identifiers: ClinVar variation 1425589 (VCV001425589.11), dbSNP rs74907838, ClinGen allele CA6181537.
Genomic context (GRCh38, chr11:74,006,174, plus strand): 5'-CTTGACCCACACACTTTCAGCCACCCCTTTGGTGTTCAGGGACCTGGTCACTCACTGTCC[G>A]CGCCTTTGGGGGTGTACACCTGCTTGACGGAGTCATAGAGGCCGATGCGGATGGAGGCGA-3'
Protein context (NP_003347.1, residues 101-121): SVKQVYTPKG[Ala111Val]DNSSLTTRIL